The following is an entry in ClinVar:

NM_001005373.4(LRSAM1):c.1028T>A (p.Leu343Gln)

Gene: LRSAM1 (leucine rich repeat and sterile alpha motif containing 1; plus strand). Cytogenetic location: 9q33.3.
Variant type: single nucleotide variant.
Coding change: c.1028T>A on transcript NM_001005373.4 (MANE Select); coding-DNA position 1028, T replaced by A.
Protein change: p.Leu343Gln; replaces leucine 343 with glutamine.
Molecular consequence: missense variant. On other transcripts: non-coding transcript variant (2).
Genome position (GRCh38, 1-based): chr9:127,479,963, T>A. VCF-style: chr9-127479963-T-A. GRCh37 (hg19) VCF-style: chr9-130242242-T-A.
Other names: c.1028T>A, p.Leu343Gln (NM_001005374.4, NM_001190723.3, NM_001384142.1 and 2 more transcripts); c.239T>A, p.Leu80Gln (NM_001384144.1); short protein forms L343Q, L80Q.
Identifiers: ClinVar variation 3713219 (VCV003713219.2).

ClinVar aggregate classification (germline): Uncertain significance (1 of 4 stars; one submission).

Conditions:
Charcot-Marie-Tooth disease axonal type 2P. Also called: CHARCOT-MARIE-TOOTH NEUROPATHY, TYPE 2P; CHARCOT-MARIE-TOOTH DISEASE, AXONAL, TYPE 2G; CMT 2G; Charcot-Marie-Tooth Neuropathy Type 2G. Identifiers: Orphanet 300319, Orphanet 99941, MedGen C3280797, MONDO:0013753, OMIM 614436.

Submission:

Labcorp Genetics (formerly Invitae), Labcorp
Classification: Uncertain significance for Charcot-Marie-Tooth disease axonal type 2P. Last evaluated: 2024-02-15. Review status: criteria provided, single submitter. Criteria: Invitae Variant Classification Sherloc (09022015). Collection method: clinical testing. Allele origin: germline.
Comment: This sequence change replaces leucine, which is neutral and non-polar, with glutamine, which is neutral and polar, at codon 343 of the LRSAM1 protein (p.Leu343Gln). This variant is not present in population databases (gnomAD no frequency). This variant has not been reported in the literature in individuals affected with LRSAM1-related conditions. Advanced modeling of protein sequence and biophysical properties (such as structural, functional, and spatial information, amino acid conservation, physicochemical variation, residue mobility, and thermodynamic stability) performed at Invitae indicates that this missense variant is expected to disrupt LRSAM1 protein function with a positive predictive value of 80%. In summary, the available evidence is currently insufficient to determine the role of this variant in disease. Therefore, it has been classified as a Variant of Uncertain Significance.